The following is an entry in ClinVar:

ClinVar aggregate classification (germline): Uncertain significance (1 of 4 stars; one submission).

Submission:

CeGaT Center for Human Genetics Tuebingen
Classification: Uncertain significance. Last evaluated: 2022-03-01. Review status: criteria provided, single submitter. Criteria: CeGaT Center For Human Genetics Tuebingen Variant Classification Criteria Version 2. Collection method: clinical testing. Allele origin: germline. Affected: yes. Observed: 1 variant allele.
Comment: NUS1: PM2, BP4

NM_138459.5(NUS1):c.-4G>T

Gene: NUS1 (NUS1 dehydrodolichyl diphosphate synthase subunit; plus strand). Cytogenetic location: 6q22.1.
Variant type: single nucleotide variant.
Coding change: c.-4G>T on transcript NM_138459.5 (MANE Select); 4 bases upstream of the start codon, G replaced by T.
Molecular consequence: 5 prime UTR variant.
Genome position (GRCh38, 1-based): chr6:117,675,667, G>T. VCF-style: chr6-117675667-G-T. GRCh37 (hg19) VCF-style: chr6-117996830-G-T.
Identifiers: ClinVar variation 2656878 (VCV002656878.24), dbSNP rs764324540, ClinGen allele CA2578725237.